The following is an entry in ClinVar:

NM_015602.4(TOR1AIP1):c.1163A>C (p.Lys388Thr)

Gene: TOR1AIP1 (torsin 1A interacting protein 1; plus strand). Cytogenetic location: 1q25.2.
Variant type: single nucleotide variant.
Coding change: c.1163A>C on transcript NM_015602.4 (MANE Select); coding-DNA position 1163, A replaced by C.
Protein change: p.Lys388Thr; replaces lysine 388 with threonine.
Molecular consequence: missense variant.
Genome position (GRCh38, 1-based): chr1:179,917,650, A>C. VCF-style: chr1-179917650-A-C. GRCh37 (hg19) VCF-style: chr1-179886785-A-C.
Other names: c.1166A>C, p.Lys389Thr (NM_001267578.2); c.1163A>C (NM_015602.2); short protein forms K388T, K389T.
Identifiers: ClinVar variation 1058195 (VCV001058195.7), dbSNP rs367617812, ClinGen allele CA1269102.

ClinVar aggregate classification (germline): Uncertain significance. Review status: criteria provided, multiple submitters, no conflicts (2 of 4 stars). 2 submissions from 2 submitters: Uncertain significance (2). Last evaluated 2025-09-01.

Conditions:
Autosomal recessive limb-girdle muscular dystrophy type 2Y (MRRSDC). Also called: Muscular dystrophy, limb-girdle, type 2y; Muscular dystrophy, autosomal recessive, with rigid spine and distal joint contractures. Identifiers: Orphanet 424261, MedGen C4511482, MONDO:0014900, OMIM 617072.
Inborn genetic diseases. Identifiers: MedGen C0950123, MeSH D030342.

Allele frequency attached by ClinVar (database versions not stated): TOPMed 0.00002; ESP Exome Variant Server 0.00008; gnomAD 0.00001; gnomAD exomes 0.00001 and 0.00002; ExAC 0.00002.
gnomAD v4.1: 12 of 1,614,238 alleles (0.00074%); highest among the groups gnomAD compares: Non-Finnish European, 0.001%; no homozygotes.

Submissions (2):

Ambry Genetics
Classification: Uncertain significance for Inborn genetic diseases. Last evaluated: 2025-09-01. Review status: criteria provided, single submitter. Criteria: Ambry Variant Classification Scheme 2023. Collection method: clinical testing. Allele origin: germline.

Labcorp Genetics (formerly Invitae), Labcorp
Classification: Uncertain significance for Autosomal recessive limb-girdle muscular dystrophy type 2Y. Last evaluated: 2022-06-14. Review status: criteria provided, single submitter. Criteria: Invitae Variant Classification Sherloc (09022015). Collection method: clinical testing. Allele origin: germline.
Comment: This sequence change replaces lysine, which is basic and polar, with threonine, which is neutral and polar, at codon 389 of the TOR1AIP1 protein (p.Lys389Thr). This variant is present in population databases (rs367617812, gnomAD 0.004%). This variant has not been reported in the literature in individuals affected with TOR1AIP1-related conditions. ClinVar contains an entry for this variant (Variation ID: 1058195). Algorithms developed to predict the effect of missense changes on protein structure and function are either unavailable or do not agree on the potential impact of this missense change (SIFT: "Tolerated"; PolyPhen-2: "Possibly Damaging"; Align-GVGD: "Class C0"). In summary, the available evidence is currently insufficient to determine the role of this variant in disease. Therefore, it has been classified as a Variant of Uncertain Significance.